The following is an entry in ClinVar:

ClinVar aggregate classification (germline): Likely pathogenic (1 of 4 stars; one submission).

Conditions:
Chuvash polycythemia. Also called: POLYCYTHEMIA, VHL-DEPENDENT. Identifiers: Orphanet 238557, MedGen C1837915, MONDO:0009892, OMIM 263400.
Von Hippel-Lindau syndrome (VHLS). Also called: von Hippel–Lindau syndrome; VHL syndrome; Von Hippel-Lindau. Identifiers: Orphanet 892, MedGen C0019562, MONDO:0008667, OMIM 193300. Disease mechanism: loss of function.

Submission:

Labcorp Genetics (formerly Invitae), Labcorp
Classification: Likely pathogenic for Von Hippel-Lindau syndrome; Chuvash polycythemia. Last evaluated: 2022-11-29. Review status: criteria provided, single submitter. Criteria: Invitae Variant Classification Sherloc (09022015). Collection method: clinical testing. Allele origin: germline.
Comment: This variant is not present in population databases (gnomAD no frequency). This sequence change replaces leucine, which is neutral and non-polar, with arginine, which is basic and polar, at codon 188 of the VHL protein (p.Leu188Arg). This missense change has been observed in individual(s) with clinical features of von Hippel-Lindau syndrome (PMID: 21463266). In summary, the currently available evidence indicates that the variant is pathogenic, but additional data are needed to prove that conclusively. Therefore, this variant has been classified as Likely Pathogenic. This variant disrupts the p.Leu188 amino acid residue in VHL. Other variant(s) that disrupt this residue have been determined to be pathogenic (PMID: 7563486, 7987306, 8772572, 11331612, 15642680, 16452184, 18567581, 23772956). This suggests that this residue is clinically significant, and that variants that disrupt this residue are likely to be disease-causing. Advanced modeling of protein sequence and biophysical properties (such as structural, functional, and spatial information, amino acid conservation, physicochemical variation, residue mobility, and thermodynamic stability) performed at Invitae indicates that this missense variant is expected to disrupt VHL protein function. ClinVar contains an entry for this variant (Variation ID: 970971).

Literature cited by the submitters: PubMed 21463266; PubMed 7563486; PubMed 7987306; PubMed 8772572; PubMed 11331612; PubMed 15642680; PubMed 16452184; PubMed 18567581; PubMed 23772956.

NM_000551.4(VHL):c.563T>G (p.Leu188Arg)

Genes: VHL (von Hippel-Lindau tumor suppressor; plus strand), LOC107303340 (3p25 von Hippel-Lindau tumor suppressor, E3 ubiquitin protein ligase Alu-mediated recombination region; plus strand). Cytogenetic location: 3p25.3.
Variant type: single nucleotide variant.
Coding change: c.563T>G on transcript NM_000551.4 (MANE Select); coding-DNA position 563, T replaced by G.
Protein change: p.Leu188Arg; replaces leucine 188 with arginine.
Molecular consequence: missense variant. On other transcripts: 3 prime UTR variant (1).
Genome position (GRCh38, 1-based): chr3:10,149,886, T>G. VCF-style: chr3-10149886-T-G. GRCh37 (hg19) VCF-style: chr3-10191570-T-G.
Other names: c.*117T>G (NM_001354723.2); c.440T>G, p.Leu147Arg (NM_198156.3); short protein forms L147R, L188R.
Identifiers: ClinVar variation 970971 (VCV000970971.10), dbSNP rs1559429824, ClinGen allele CA351756400.